The following is an entry in ClinVar:

NM_002332.3(LRP1):c.8025C>T (p.Gly2675=)

Gene: LRP1 (LDL receptor related protein 1; plus strand). Cytogenetic location: 12q13.3.
Variant type: single nucleotide variant.
Coding change: c.8025C>T on transcript NM_002332.3 (MANE Select); coding-DNA position 8025, C replaced by T.
Protein change: p.Gly2675=; no amino-acid change (glycine 2675 retained).
Molecular consequence: synonymous variant.
Genome position (GRCh38, 1-based): chr12:57,194,460, C>T. VCF-style: chr12-57194460-C-T. GRCh37 (hg19) VCF-style: chr12-57588243-C-T.
Identifiers: ClinVar variation 2643118 (VCV002643118.24), dbSNP rs147045429, ClinGen allele CA6644241.

ClinVar aggregate classification (germline): Likely benign (1 of 4 stars; one submission).

Allele frequency attached by ClinVar (database versions not stated): TOPMed 0.00006; ExAC 0.00007; gnomAD 0.00007; ESP Exome Variant Server 0.00015; gnomAD exomes 0.00003.
gnomAD v4.1: 53 of 1,569,658 alleles (0.0034%); highest among the groups gnomAD compares: Middle Eastern, 0.034%; no homozygotes.

Submission:

CeGaT Center for Human Genetics Tuebingen
Classification: Likely benign. Last evaluated: 2022-10-01. Review status: criteria provided, single submitter. Criteria: CeGaT Center For Human Genetics Tuebingen Variant Classification Criteria Version 2. Collection method: clinical testing. Allele origin: germline. Affected: yes. Observed: 1 variant allele.
Comment: LRP1: BP4, BP7